The following is an entry in ClinVar:

ClinVar aggregate classification (germline): Conflicting classifications of pathogenicity. Review status: criteria provided, conflicting classifications (1 of 4 stars). 4 submissions from 4 submitters: Uncertain significance (1); Benign (1); Likely benign (2). Last evaluated 2024-11-12.

Conditions:
Hyperaldosteronism, familial, type IV (HALD4). Also called: FH IV; ALDOSTERONISM, PRIMARY, AND HYPERTENSION. Identifiers: Orphanet 642671, MedGen C4310756, MONDO:0014875, OMIM 617027.
Epilepsy, childhood absence, susceptibility to, 6. Identifiers: Orphanet 64280, MedGen C2749872, MONDO:0012763, OMIM 611942.
CACNA1H-related disorder.
Idiopathic generalized epilepsy. Also called: Generalised epilepsy; EIG. Identifiers: MedGen C0270850, MONDO:0005579, OMIM 600669.

Allele frequency attached by ClinVar (database versions not stated): gnomAD exomes 0.00001 and 0.00003; gnomAD 0.00003; TOPMed 0.00005; ESP Exome Variant Server 0.00008.
gnomAD v4.1: 46 of 1,551,670 alleles (0.003%); highest among the groups gnomAD compares: African/African-American, 0.0068%; no homozygotes.

Submissions (4):

Blueprint Genetics
Classification: Likely benign. Last evaluated: 2024-11-12. Review status: criteria provided, single submitter. Criteria: ACMG Guidelines, 2015. Collection method: clinical testing. Allele origin: germline.

PreventionGenetics, part of Exact Sciences
Classification: Likely benign for CACNA1H-related condition. Last evaluated: 2024-10-04. Review status: criteria provided, single submitter. Criteria: ACMG Guidelines, 2015. Collection method: clinical testing. Allele origin: germline.
Comment: This variant is classified as likely benign based on ACMG/AMP sequence variant interpretation guidelines (Richards et al. 2015 PMID: 25741868, with internal and published modifications).

Labcorp Genetics (formerly Invitae), Labcorp
Classification: Benign for Idiopathic generalized epilepsy; Hyperaldosteronism, familial, type IV. Last evaluated: 2022-07-12. Review status: criteria provided, single submitter. Criteria: Invitae Variant Classification Sherloc (09022015). Collection method: clinical testing. Allele origin: germline.

Fulgent Genetics
Classification: Uncertain significance for Epilepsy, childhood absence, susceptibility to, 6; Hyperaldosteronism, familial, type IV. Last evaluated: 2021-12-12. Review status: criteria provided, single submitter. Criteria: ACMG Guidelines, 2015. Collection method: clinical testing. Allele origin: unknown.

NM_021098.3(CACNA1H):c.5688G>A (p.Ala1896=)

Gene: CACNA1H (calcium voltage-gated channel subunit alpha1 H; plus strand). Cytogenetic location: 16p13.3.
Variant type: single nucleotide variant.
Coding change: c.5688G>A on transcript NM_021098.3 (MANE Select); coding-DNA position 5688, G replaced by A.
Protein change: p.Ala1896=; no amino-acid change (alanine 1896 retained).
Molecular consequence: synonymous variant.
Genome position (GRCh38, 1-based): chr16:1,218,452, G>A. VCF-style: chr16-1218452-G-A. GRCh37 (hg19) VCF-style: chr16-1268452-G-A.
Other names: c.5670G>A, p.Ala1890= (NM_001005407.2).
Identifiers: ClinVar variation 852714 (VCV000852714.12), dbSNP rs58835716, ClinGen allele CA276612566.
Genomic context (GRCh38, chr16:1,218,452, plus strand): 5'-GGACGCCGAGATCGAGCTGGAGATGGCGCAGGGCCCCGGGAGTGCACGCCGGGTGGACGC[G>A]GACAGGCCTCCCTTGCCCCAGGAGAGTCCGGGCGCCAGGGACGCCCCAAACCTGGTTGCA-3'
Protein context (NP_066921.2, residues 1886-1906): QGPGSARRVD[Ala1896=]DRPPLPQESP